The following is an entry in ClinVar:

NM_001113226.3(NTNG1):c.408G>A (p.Leu136=)

Gene: NTNG1 (netrin G1; plus strand). Cytogenetic location: 1p13.3.
Variant type: single nucleotide variant.
Coding change: c.408G>A on transcript NM_001113226.3 (MANE Select); coding-DNA position 408, G replaced by A.
Protein change: p.Leu136=; no amino-acid change (leucine 136 retained).
Molecular consequence: synonymous variant.
Genome position (GRCh38, 1-based): chr1:107,324,443, G>A. VCF-style: chr1-107324443-G-A. GRCh37 (hg19) VCF-style: chr1-107867065-G-A.
Other names: c.408G>A, p.Leu136= (NM_001113228.3, NM_001312688.2, NM_001330665.2 and 7 more transcripts).
Identifiers: ClinVar variation 736031 (VCV000736031.16), dbSNP rs144330931, ClinGen allele CA977545.

ClinVar aggregate classification (germline): Benign/Likely benign. Review status: criteria provided, multiple submitters, no conflicts (2 of 4 stars). 4 submissions from 4 submitters: Benign (2); Likely benign (1). 1 of the submissions does not count toward it. Last evaluated 2025-05-01.

Conditions:
NTNG1-related disorder. Also called: NTNG1-related condition.

Allele frequency attached by ClinVar (database versions not stated): gnomAD exomes 0.00026 and 0.00074; ExAC 0.00083; 1000 Genomes Project 30x 0.00234; 1000 Genomes Project 0.00240; gnomAD 0.00258 and 0.00274; TOPMed 0.00297; ESP Exome Variant Server 0.00315.
gnomAD v4.1: 791 of 1,613,858 alleles (0.049%); highest among the groups gnomAD compares: African/African-American, 0.94%; no homozygotes.

Submissions (4):

CeGaT Center for Human Genetics Tuebingen
Classification: Likely benign. Last evaluated: 2025-05-01. Review status: criteria provided, single submitter. Criteria: CeGaT Center For Human Genetics Tuebingen Variant Classification Criteria Version 2. Collection method: clinical testing. Allele origin: germline. Affected: yes. Observed: 1 variant allele.
Comment: NTNG1: BP4, BP7

Labcorp Genetics (formerly Invitae), Labcorp
Classification: Benign. Last evaluated: 2018-06-13. Review status: criteria provided, single submitter. Criteria: Invitae Variant Classification Sherloc (09022015). Collection method: clinical testing. Allele origin: germline.

Breakthrough Genomics
Classification: Benign. Review status: criteria provided, single submitter. Criteria: ACMG Guidelines, 2015. Collection method: not provided. Allele origin: germline. Inheritance: Unknown mechanism. Affected: yes.

PreventionGenetics, part of Exact Sciences
Classification: Likely benign for NTNG1-related condition. Last evaluated: 2019-04-05. Review status: no assertion criteria provided. Collection method: clinical testing. Allele origin: germline. Not counted in ClinVar's aggregate classification.
Comment: This variant is classified as likely benign based on ACMG/AMP sequence variant interpretation guidelines (Richards et al. 2015 PMID: 25741868, with internal and published modifications).